The following is an entry in ClinVar:

NM_007294.4(BRCA1):c.5082G>T (p.Glu1694Asp)

Gene: BRCA1 (BRCA1 DNA repair associated; minus strand). Cytogenetic location: 17q21.31.
Variant type: single nucleotide variant.
Coding change: c.5082G>T on transcript NM_007294.4 (MANE Select); coding-DNA position 5082, G replaced by T.
Protein change: p.Glu1694Asp; replaces glutamic acid 1694 with aspartic acid.
Molecular consequence: missense variant. On other transcripts: non-coding transcript variant (1).
Genome position (GRCh38, 1-based): chr17:43,063,944, C>A on the plus strand (G>T on the coding strand, the complement: BRCA1 is on the minus strand). VCF-style: chr17-43063944-C-A. GRCh37 (hg19) VCF-style: chr17-41215961-C-A.
Other names: c.4869G>T, p.Glu1623Asp (NM_001407571.1, NM_001407894.1, NM_001407895.1 and 12 more transcripts); c.5148G>T, p.Glu1716Asp (NM_001407581.1, NM_001407582.1); c.5145G>T, p.Glu1715Asp (NM_001407583.1, NM_001407585.1, NM_001407587.1 and 1 more transcripts); c.5142G>T, p.Glu1714Asp (NM_001407590.1, NM_001407591.1); c.5082G>T, p.Glu1694Asp (NM_001407593.1, NM_001407594.1, NM_001407596.1 and 7 more transcripts); c.5079G>T, p.Glu1693Asp (NM_001407614.1, NM_001407615.1, NM_001407616.1 and 17 more transcripts); c.5076G>T, p.Glu1692Asp (NM_001407633.1, NM_001407634.1, NM_001407635.1 and 14 more transcripts); c.5001G>T, p.Glu1667Asp (NM_001407656.1, NM_001407657.1, NM_001407658.1); and 71 more; short protein forms E1647D, E1715D, E590D, E1694D, E1398D, E1567D, E1582D, E1623D.
Identifiers: ClinVar variation 868622 (VCV000868622.3), dbSNP rs2051934604, ClinGen allele CA10591358.
Genomic context (GRCh38, chr17:43,063,944, plus strand): 5'-AACTACCCATTTTCCTCCCGCAATTCCTAGAAAATATTTCAGTGTCCGTTCACACACAAA[C>A]TCAGCATCTGCAGAATGAAAAACACTCAAAGGATTAGAAGTTGAAAACAAAATCAGGAAG-3'
Protein context (NP_009225.1, residues 1684-1704): TTHVVMKTDA[Glu1694Asp]FVCERTLKYF

Conditions:
Breast-ovarian cancer, familial, susceptibility to, 1 (BROVCA1). Also called: BRCA1 Hereditary Breast and Ovarian Cancer; OVARIAN CANCER, SUSCEPTIBILITY TO. Identifiers: Orphanet 145, MedGen C2676676, MONDO:0011450, OMIM 604370. Disease mechanism: loss of function.

Submission:

Brotman Baty Institute, University of Washington
No classification provided (evidence only). Condition: Breast-ovarian cancer, familial 1. Review status: no classification provided. Collection method: in vitro. Allele origin: not applicable. Functional consequence: functionally_normal.
ClinVar note: "not provided" was previously submitted as the classification for the variant. However, the classification appeared to be based only on an observation of functional data so it was converted to no classification on 2025-07-30.